The following is an entry in ClinVar:

ClinVar aggregate classification (germline): Uncertain significance (1 of 4 stars; one submission).

Conditions:
Gastrointestinal stromal tumor. Also called: Gastrointestinal stromal tumor, somatic; Gastrointestinal stroma tumor. Identifiers: Orphanet 44890, MedGen C0238198, MeSH D046152, MONDO:0011719, OMIM 606764, HP:0100723.

Submission:

Labcorp Genetics (formerly Invitae), Labcorp
Classification: Uncertain significance for Gastrointestinal stromal tumor. Last evaluated: 2023-08-17. Review status: criteria provided, single submitter. Criteria: Invitae Variant Classification Sherloc (09022015). Collection method: clinical testing. Allele origin: germline.
Comment: This variant is not present in population databases (gnomAD no frequency). In summary, the available evidence is currently insufficient to determine the role of this variant in disease. Therefore, it has been classified as a Variant of Uncertain Significance. Advanced modeling of protein sequence and biophysical properties (such as structural, functional, and spatial information, amino acid conservation, physicochemical variation, residue mobility, and thermodynamic stability) performed at Invitae indicates that this missense variant is not expected to disrupt PDGFRA protein function. ClinVar contains an entry for this variant (Variation ID: 853709). This variant has not been reported in the literature in individuals affected with PDGFRA-related conditions. This sequence change replaces glutamic acid, which is acidic and polar, with aspartic acid, which is acidic and polar, at codon 513 of the PDGFRA protein (p.Glu513Asp).

NM_006206.6(PDGFRA):c.1539G>T (p.Glu513Asp)

Gene: PDGFRA (platelet derived growth factor receptor alpha; plus strand). Cytogenetic location: 4q12.
Variant type: single nucleotide variant.
Coding change: c.1539G>T on transcript NM_006206.6 (MANE Select); coding-DNA position 1539, G replaced by T.
Protein change: p.Glu513Asp; replaces glutamic acid 513 with aspartic acid.
Molecular consequence: missense variant.
Genome position (GRCh38, 1-based): chr4:54,273,711, G>T. VCF-style: chr4-54273711-G-T. GRCh37 (hg19) VCF-style: chr4-55139878-G-T.
Other names: c.1539G>T, p.Glu513Asp (NM_001347827.2, NM_001347829.2); c.1614G>T, p.Glu538Asp (NM_001347828.2); c.1578G>T, p.Glu526Asp (NM_001347830.2); short protein forms E513D, E526D, E538D.
Identifiers: ClinVar variation 853709 (VCV000853709.9), dbSNP rs1723545173, ClinGen allele CA356892773.